The following is an entry in ClinVar:

ClinVar aggregate classification (germline): Uncertain significance (1 of 4 stars; one submission).

Submission:

Labcorp Genetics (formerly Invitae), Labcorp
Classification: Uncertain significance. Last evaluated: 2023-05-29. Review status: criteria provided, single submitter. Criteria: Invitae Variant Classification Sherloc (09022015). Collection method: clinical testing. Allele origin: germline.
Comment: In summary, the available evidence is currently insufficient to determine the role of this variant in disease. Therefore, it has been classified as a Variant of Uncertain Significance. Advanced modeling of protein sequence and biophysical properties (such as structural, functional, and spatial information, amino acid conservation, physicochemical variation, residue mobility, and thermodynamic stability) performed at Invitae indicates that this missense variant is expected to disrupt CHD8 protein function. This variant has not been reported in the literature in individuals affected with CHD8-related conditions. This variant is not present in population databases (gnomAD no frequency). This sequence change replaces arginine, which is basic and polar, with tryptophan, which is neutral and slightly polar, at codon 1750 of the CHD8 protein (p.Arg1750Trp).

NM_001170629.2(CHD8):c.5248C>T (p.Arg1750Trp)

Gene: CHD8 (chromodomain helicase DNA binding protein 8; minus strand). Cytogenetic location: 14q11.2.
Variant type: single nucleotide variant.
Coding change: c.5248C>T on transcript NM_001170629.2 (MANE Select); coding-DNA position 5248, C replaced by T.
Protein change: p.Arg1750Trp; replaces arginine 1750 with tryptophan.
Molecular consequence: missense variant.
Genome position (GRCh38, 1-based): chr14:21,395,054, G>A on the plus strand (C>T on the coding strand, the complement: CHD8 is on the minus strand). VCF-style: chr14-21395054-G-A. GRCh37 (hg19) VCF-style: chr14-21863213-G-A.
Other names: c.4411C>T, p.Arg1471Trp (NM_020920.4); short protein forms R1750W, R1471W.
Identifiers: ClinVar variation 2835847 (VCV002835847.3), dbSNP rs866886012, ClinGen allele CA257594714.